The following is an entry in ClinVar:

ClinVar aggregate classification (germline): Uncertain significance (1 of 4 stars; one submission).

Conditions:
Growth hormone insensitivity with immune dysregulation 1, autosomal recessive. Also called: GROWTH HORMONE INSENSITIVITY SYNDROME WITH IMMUNE DYSREGULATION 1, AUTOSOMAL RECESSIVE; Laron syndrome with immunodeficiency; GROWTH HORMONE INSENSITIVITY DUE TO POSTRECEPTOR DEFECT; LARON SYNDROME DUE TO POSTRECEPTOR DEFECT. Identifiers: Orphanet 220465, MedGen C5435698, MONDO:0100211, OMIM 245590.

gnomAD v4.1: 6 of 1,613,718 alleles (0.00037%); highest among the groups gnomAD compares: Admixed American, 0.0017%; no homozygotes.

Submission:

Labcorp Genetics (formerly Invitae), Labcorp
Classification: Uncertain significance for Growth hormone insensitivity with immune dysregulation 1, autosomal recessive. Last evaluated: 2025-07-23. Review status: criteria provided, single submitter. Criteria: Invitae Variant Classification Sherloc (09022015). Collection method: clinical testing. Allele origin: germline.
Comment: This sequence change replaces arginine, which is basic and polar, with histidine, which is basic and polar, at codon 107 of the STAT5B protein (p.Arg107His). This variant is not present in population databases (gnomAD no frequency). This variant has not been reported in the literature in individuals affected with STAT5B-related conditions. Invitae Evidence Modeling of protein sequence and biophysical properties (such as structural, functional, and spatial information, amino acid conservation, physicochemical variation, residue mobility, and thermodynamic stability) indicates that this missense variant is not expected to disrupt STAT5B protein function with a negative predictive value of 80%. In summary, the available evidence is currently insufficient to determine the role of this variant in disease. Therefore, it has been classified as a Variant of Uncertain Significance.

NM_012448.4(STAT5B):c.320G>A (p.Arg107His)

Gene: STAT5B (signal transducer and activator of transcription 5B; minus strand). Cytogenetic location: 17q21.2.
Variant type: single nucleotide variant.
Coding change: c.320G>A on transcript NM_012448.4 (MANE Select); coding-DNA position 320, G replaced by A.
Protein change: p.Arg107His; replaces arginine 107 with histidine.
Molecular consequence: missense variant.
Genome position (GRCh38, 1-based): chr17:42,224,834, C>T on the plus strand (G>A on the coding strand, the complement: STAT5B is on the minus strand). VCF-style: chr17-42224834-C-T. GRCh37 (hg19) VCF-style: chr17-40376852-C-T.
Other names: short protein forms R107H.
Identifiers: ClinVar variation 4698507 (VCV004698507.1).